The following is an entry in ClinVar:

ClinVar aggregate classification (germline): Likely benign. Review status: criteria provided, multiple submitters, no conflicts (2 of 4 stars). 6 submissions from 6 submitters: Likely benign (5). 1 of the submissions does not count toward it. Last evaluated 2026-01-28.

Conditions:
MED12-Related Disorders. Also called: MED12-related disorder; MED12-related condition. Identifiers: MedGen CN381102.
Familial thoracic aortic aneurysm and aortic dissection (TAAD). Also called: Thoracic aortic aneurysms and dissections. Identifiers: Orphanet 91387, MedGen C4707243, MONDO:0019625.
FG syndrome (FGS). Identifiers: MedGen C0220769, MONDO:0002010.

Allele frequency attached by ClinVar (database versions not stated): TOPMed below 0.00001; gnomAD 0.00001; ExAC 0.00003; gnomAD exomes 0.00003; ESP Exome Variant Server 0.00010.
gnomAD v4.1: 39 of 1,209,789 alleles (0.0032%); highest among the groups gnomAD compares: East Asian, 0.0089%; no homozygotes.

Submissions (6):

Labcorp Genetics (formerly Invitae), Labcorp
Classification: Likely benign for FG syndrome. Last evaluated: 2026-01-28. Review status: criteria provided, single submitter. Criteria: Invitae Variant Classification Sherloc (09022015). Collection method: clinical testing. Allele origin: germline.

Blueprint Genetics
Classification: Likely benign. Last evaluated: 2023-11-30. Review status: criteria provided, single submitter. Criteria: ACMG Guidelines, 2015. Collection method: clinical testing. Allele origin: germline.

Ambry Genetics
Classification: Likely benign for Familial thoracic aortic aneurysm and aortic dissection. Last evaluated: 2018-02-14. Review status: criteria provided, single submitter. Criteria: Ambry Variant Classification Scheme 2023. Collection method: clinical testing. Allele origin: germline.

GeneDx
Classification: Likely benign. Last evaluated: 2017-12-14. Review status: criteria provided, single submitter. Criteria: GeneDx Variant Classification (06012015). Collection method: clinical testing. Allele origin: germline. Affected: yes.
Comment: This variant is considered likely benign or benign based on one or more of the following criteria: it is a conservative change, it occurs at a poorly conserved position in the protein, it is predicted to be benign by multiple in silico algorithms, and/or has population frequency not consistent with disease.

Breakthrough Genomics
Classification: Likely benign. Review status: criteria provided, single submitter. Criteria: ACMG Guidelines, 2015. Collection method: not provided. Allele origin: germline. Inheritance: X-linked inheritance. Affected: yes.

PreventionGenetics, part of Exact Sciences
Classification: Likely benign for MED12-related condition. Last evaluated: 2019-08-21. Review status: no assertion criteria provided. Collection method: clinical testing. Allele origin: germline. Not counted in ClinVar's aggregate classification.
Comment: This variant is classified as likely benign based on ACMG/AMP sequence variant interpretation guidelines (Richards et al. 2015 PMID: 25741868, with internal and published modifications).

NM_005120.3(MED12):c.4974C>T (p.Ile1658=)

Gene: MED12 (mediator complex subunit 12; plus strand). Cytogenetic location: Xq13.1.
Variant type: single nucleotide variant.
Coding change: c.4974C>T on transcript NM_005120.3 (MANE Select); coding-DNA position 4974, C replaced by T.
Protein change: p.Ile1658=; no amino-acid change (isoleucine 1658 retained).
Molecular consequence: synonymous variant.
Genome position (GRCh38, 1-based): chrX:71,135,202, C>T. VCF-style: chrX-71135202-C-T. GRCh37 (hg19) VCF-style: chrX-70355052-C-T.
Identifiers: ClinVar variation 386196 (VCV000386196.17), dbSNP rs376179450, ClinGen allele CA10444727.